The following is an entry in ClinVar:

NM_018942.3(HMX1):c.1001C>G (p.Ala334Gly)

Gene: HMX1 (H6 family homeobox 1; minus strand). Cytogenetic location: 4p16.1.
Variant type: single nucleotide variant.
Coding change: c.1001C>G on transcript NM_018942.3 (MANE Select); coding-DNA position 1001, C replaced by G.
Protein change: p.Ala334Gly; replaces alanine 334 with glycine.
Molecular consequence: missense variant. On other transcripts: intron variant (1).
Genome position (GRCh38, 1-based): chr4:8,867,739, G>C on the plus strand (C>G on the coding strand, the complement: HMX1 is on the minus strand). VCF-style: chr4-8867739-G-C. GRCh37 (hg19) VCF-style: chr4-8869465-G-C.
Other names: c.394+3482C>G (NM_001306142.2); short protein forms A334G.
Identifiers: ClinVar variation 857801 (VCV000857801.5), dbSNP rs752877327, ClinGen allele CA2854239.
Genomic context (GRCh38, chr4:8,867,739, plus strand): 5'-CCGGCAGGCGGGGCTCACACCAGGCCAGGCATCTGCGCCCGCAGAAAGGGCACGGAGGCG[G>C]CGGCCGGGAAGGCGGCCAGCGGGTAGGCGAGGGCCCCGGAGAAGCCGAGCAGCGGTGGGG-3'
Protein context (NP_061815.2, residues 324-344): LAYPLAAFPA[Ala334Gly]ASVPFLRAQM

ClinVar aggregate classification (germline): Uncertain significance. Review status: criteria provided, multiple submitters, no conflicts (2 of 4 stars). 2 submissions from 2 submitters: Uncertain significance (2). Last evaluated 2022-09-14.

Conditions:
Inborn genetic diseases. Identifiers: MedGen C0950123, MeSH D030342.

Allele frequency attached by ClinVar (database versions not stated): ExAC below 0.00001; gnomAD 0.00004 and 0.00006; TOPMed 0.00005; gnomAD exomes 0.00006.
gnomAD v4.1: 99 of 1,291,174 alleles (0.0077%); highest among the groups gnomAD compares: South Asian, 0.16%; 2 homozygotes.

Submissions (2):

Ambry Genetics
Classification: Uncertain significance for Inborn genetic diseases. Last evaluated: 2022-09-14. Review status: criteria provided, single submitter. Criteria: Ambry Variant Classification Scheme 2023. Collection method: clinical testing. Allele origin: germline.

Labcorp Genetics (formerly Invitae), Labcorp
Classification: Uncertain significance. Last evaluated: 2022-09-06. Review status: criteria provided, single submitter. Criteria: Invitae Variant Classification Sherloc (09022015). Collection method: clinical testing. Allele origin: germline.
Comment: This sequence change replaces alanine, which is neutral and non-polar, with glycine, which is neutral and non-polar, at codon 334 of the HMX1 protein (p.Ala334Gly). This variant is present in population databases (rs752877327, gnomAD 0.03%). This variant has not been reported in the literature in individuals affected with HMX1-related conditions. ClinVar contains an entry for this variant (Variation ID: 857801). Algorithms developed to predict the effect of missense changes on protein structure and function are either unavailable or do not agree on the potential impact of this missense change (SIFT: "Tolerated"; PolyPhen-2: "Possibly Damaging"; Align-GVGD: "Class C0"). In summary, the available evidence is currently insufficient to determine the role of this variant in disease. Therefore, it has been classified as a Variant of Uncertain Significance.